The following is an entry in ClinVar:

ClinVar aggregate classification (germline): Uncertain significance (1 of 4 stars; one submission).

Conditions:
Hereditary cancer-predisposing syndrome. Also called: Neoplastic Syndromes, Hereditary; Tumor predisposition; Hereditary Cancer Syndrome; Hereditary neoplastic syndrome. Identifiers: Orphanet 140162, MedGen C0027672, MeSH D009386, MONDO:0015356.

Submission:

Ambry Genetics
Classification: Uncertain significance for Hereditary cancer-predisposing syndrome. Last evaluated: 2021-01-06. Review status: criteria provided, single submitter. Criteria: Ambry Variant Classification Scheme 2023. Collection method: clinical testing. Allele origin: germline.
Comment: The p.L650P variant (also known as c.1949T>C), located in coding exon 15 of the BAP1 gene, results from a T to C substitution at nucleotide position 1949. The leucine at codon 650 is replaced by proline, an amino acid with similar properties. This amino acid position is highly conserved in available vertebrate species. In addition, this alteration is predicted to be deleterious by in silico analysis. Since supporting evidence is limited at this time, the clinical significance of this alteration remains unclear.

NM_004656.4(BAP1):c.1949T>C (p.Leu650Pro)

Gene: BAP1 (BRCA1 associated deubiquitinase 1; minus strand). Cytogenetic location: 3p21.1.
Variant type: single nucleotide variant.
Coding change: c.1949T>C on transcript NM_004656.4 (MANE Select); coding-DNA position 1949, T replaced by C.
Protein change: p.Leu650Pro; replaces leucine 650 with proline.
Molecular consequence: missense variant.
Genome position (GRCh38, 1-based): chr3:52,402,813, A>G on the plus strand (T>C on the coding strand, the complement: BAP1 is on the minus strand). VCF-style: chr3-52402813-A-G. GRCh37 (hg19) VCF-style: chr3-52436829-A-G.
Other names: c.1895T>C, p.Leu632Pro (NM_001410772.1); short protein forms L632P, L650P.
Identifiers: ClinVar variation 1783177 (VCV001783177.2), dbSNP rs2153226303, ClinGen allele CA353096630.